The following is an entry in ClinVar:

NM_022552.5(DNMT3A):c.640-3939A>G

Genes: DNMT3A (DNA methyltransferase 3 alpha; minus strand), LOC129933288 (ATAC-STARR-seq lymphoblastoid silent region 11249; plus strand). Cytogenetic location: 2p23.3.
Variant type: single nucleotide variant.
Coding change: c.640-3939A>G on transcript NM_022552.5 (MANE Select); 3939 bases into the intron before coding-DNA position 640, A replaced by G.
Molecular consequence: intron variant.
Genome position (GRCh38, 1-based): chr2:25,252,191, T>C on the plus strand (A>G on the coding strand, the complement: DNMT3A is on the minus strand). VCF-style: chr2-25252191-T-C. GRCh37 (hg19) VCF-style: chr2-25475060-T-C.
Other names: c.640-3939A>G (NM_175629.2); c.4+3A>G (NM_153759.3); c.-31+3A>G (NM_001375819.1).
Identifiers: ClinVar variation 4992636 (VCV004992636.1).

ClinVar aggregate classification (germline): Uncertain significance (1 of 4 stars; one submission).

Conditions:
DNMT3A-related disorder. Also called: DNMT3A-related condition; DNMT3A-related disorders.

Submission:

PreventionGenetics, part of Exact Sciences
Classification: Uncertain significance for DNMT3A-related condition. Last evaluated: 2026-09-16. Review status: criteria provided, single submitter. Criteria: ACMG Guidelines, 2015. Collection method: clinical testing. Allele origin: germline.
Comment: The DNMT3A c.4+3A>G variant is predicted to interfere with splicing. To our knowledge, this variant has not been reported in the literature or in a large population database (gnomAD), indicating this variant is rare. At this time, the clinical significance of this variant is uncertain due to the absence of conclusive functional and genetic evidence.